The following is an entry in ClinVar:

NM_194255.4(SLC19A1):c.166G>C (p.Asp56His)

Gene: SLC19A1 (solute carrier family 19 member 1; minus strand). Cytogenetic location: 21q22.3.
Variant type: single nucleotide variant.
Coding change: c.166G>C on transcript NM_194255.4 (MANE Select); coding-DNA position 166, G replaced by C.
Protein change: p.Asp56His; replaces aspartic acid 56 with histidine.
Molecular consequence: missense variant. On other transcripts: 5 prime UTR variant (1).
Genome position (GRCh38, 1-based): chr21:45,537,794, C>G on the plus strand (G>C on the coding strand, the complement: SLC19A1 is on the minus strand). VCF-style: chr21-45537794-C-G. GRCh37 (hg19) VCF-style: chr21-46957708-C-G.
Other names: c.166G>C, p.Asp56His (NM_001205206.4, NM_001352511.3, NM_001352512.2); c.-193G>C (NM_001352510.2); short protein forms D56H.
Identifiers: ClinVar variation 716648 (VCV000716648.27), dbSNP rs146321452, ClinGen allele CA10068734.
Genomic context (GRCh38, chr21:45,537,794, plus strand): 5'-CCACAGGCGGCCGCCCGGCACCCCGGCACCCACATGCCTGCTCCCGCGTGAAGTTCTTGT[C>G]GGGCCCCAGGAGGTAGGGGGTGATGAAGCTCTCCCCTGGCCGTATCTGCGCCATGAAGCC-3'
Protein context (NP_919231.1, residues 46-66): SFITPYLLGP[Asp56His]KNFTREQVTN

ClinVar aggregate classification (germline): Benign/Likely benign. Review status: criteria provided, multiple submitters, no conflicts (2 of 4 stars). 2 submissions from 2 submitters: Benign (1); Likely benign (1). Last evaluated 2025-12-18.

Allele frequency attached by ClinVar (database versions not stated): TOPMed 0.00183; gnomAD 0.00184; ESP Exome Variant Server 0.00185; 1000 Genomes Project 30x 0.00234; 1000 Genomes Project 0.00240.
gnomAD v4.1: 569 of 1,425,650 alleles (0.04%); highest among the groups gnomAD compares: African/African-American, 0.63%; 3 homozygotes.

Submissions (2):

Labcorp Genetics (formerly Invitae), Labcorp
Classification: Benign. Last evaluated: 2025-12-18. Review status: criteria provided, single submitter. Criteria: Invitae Variant Classification Sherloc (09022015). Collection method: clinical testing. Allele origin: germline.

CeGaT Center for Human Genetics Tuebingen
Classification: Likely benign. Last evaluated: 2024-07-01. Review status: criteria provided, single submitter. Criteria: CeGaT Center For Human Genetics Tuebingen Variant Classification Criteria Version 2. Collection method: clinical testing. Allele origin: germline. Affected: yes. Observed: 1 variant allele.
Comment: SLC19A1: BP4